The following is an entry in ClinVar:

NM_002234.4(KCNA5):c.20C>G (p.Pro7Arg)

Gene: KCNA5 (potassium voltage-gated channel subfamily A member 5; plus strand). Cytogenetic location: 12p13.32.
Variant type: single nucleotide variant.
Coding change: c.20C>G on transcript NM_002234.4 (MANE Select); coding-DNA position 20, C replaced by G.
Protein change: p.Pro7Arg; replaces proline 7 with arginine.
Molecular consequence: missense variant.
Genome position (GRCh38, 1-based): chr12:5,044,167, C>G. VCF-style: chr12-5044167-C-G. GRCh37 (hg19) VCF-style: chr12-5153333-C-G.
Other names: short protein forms P7R.
Identifiers: ClinVar variation 2157022 (VCV002157022.4), dbSNP rs1441963188, ClinGen allele CA383461734.

ClinVar aggregate classification (germline): Uncertain significance (1 of 4 stars; one submission).

Conditions:
Atrial fibrillation, familial, 7 (ATFB7). Identifiers: MedGen C2677106, MONDO:0012828, OMIM 612240.

Allele frequency attached by ClinVar (database versions not stated): TOPMed below 0.00001.
gnomAD v4.1: 1 of 1,536,304 alleles (0.000065%); highest among the groups gnomAD compares: East Asian, 0.0024%; no homozygotes.

Submission:

Labcorp Genetics (formerly Invitae), Labcorp
Classification: Uncertain significance for Atrial fibrillation, familial, 7. Last evaluated: 2021-12-12. Review status: criteria provided, single submitter. Criteria: Invitae Variant Classification Sherloc (09022015). Collection method: clinical testing. Allele origin: germline.
Comment: In summary, the available evidence is currently insufficient to determine the role of this variant in disease. Therefore, it has been classified as a Variant of Uncertain Significance. Algorithms developed to predict the effect of missense changes on protein structure and function are either unavailable or do not agree on the potential impact of this missense change (SIFT: "Deleterious"; PolyPhen-2: "Benign"; Align-GVGD: "Class C0"). This variant has not been reported in the literature in individuals affected with KCNA5-related conditions. This variant is not present in population databases (gnomAD no frequency). This sequence change replaces proline, which is neutral and non-polar, with arginine, which is basic and polar, at codon 7 of the KCNA5 protein (p.Pro7Arg).